The following is an entry in ClinVar:

ClinVar aggregate classification (germline): Likely benign. Review status: criteria provided, single submitter (1 of 4 stars). 2 submissions from 2 submitters: Likely benign (1). 1 of the submissions does not count toward it. Last evaluated 2024-11-13.

Conditions:
FAM136A-related disorder. Also called: FAM136A-related condition.

Allele frequency attached by ClinVar (database versions not stated): gnomAD exomes 0.00095; 1000 Genomes Project 0.00300; 1000 Genomes Project 30x 0.00328; ESP Exome Variant Server 0.00331; ExAC 0.00359; gnomAD 0.00435; TOPMed 0.00520.

Submissions (2):

Blueprint Genetics
Classification: Likely benign. Last evaluated: 2024-11-13. Review status: criteria provided, single submitter. Criteria: ACMG Guidelines, 2015. Collection method: clinical testing. Allele origin: germline.

PreventionGenetics, part of Exact Sciences
Classification: Benign for FAM136A-related condition. Last evaluated: 2021-01-13. Review status: no assertion criteria provided. Collection method: clinical testing. Allele origin: germline. Not counted in ClinVar's aggregate classification.
Comment: This variant is classified as benign based on ACMG/AMP sequence variant interpretation guidelines (Richards et al. 2015 PMID: 25741868, with internal and published modifications).

NM_001329752.2(TIMCC):c.107A>C (p.Asn36Thr)

Gene: TIMCC (TIM double twin CX3C motif chaperone; minus strand). Cytogenetic location: 2p13.3.
Variant type: single nucleotide variant.
Coding change: c.107A>C on transcript NM_001329752.2 (MANE Select); coding-DNA position 107, A replaced by C.
Protein change: p.Asn36Thr; replaces asparagine 36 with threonine.
Molecular consequence: missense variant. On other transcripts: intron variant (4).
Genome position (GRCh38, 1-based): chr2:70,301,905, T>G on the plus strand (A>C on the coding strand, the complement: TIMCC is on the minus strand). VCF-style: chr2-70301905-T-G. GRCh37 (hg19) VCF-style: chr2-70529037-T-G.
Other names: c.107A>C, p.Asn36Thr (NM_001329753.2); c.87+20A>C (NM_032822.3); c.-89+20A>C (NM_001329758.2); c.-203+20A>C (NM_001329757.2); c.-630+20A>C (NM_001329755.2); short protein forms N36T.
Identifiers: ClinVar variation 3042819 (VCV003042819.3), dbSNP rs188034845, ClinGen allele CA1698579.
Genomic context (GRCh38, chr2:70,301,905, plus strand): 5'-GGCGTCGCGTGGTGGCTGAGGGAAGGGCCCGGAACCCACCCGCTGAGAAGGGGGTCCTGG[T>G]TCGGCCCCAGCCCCGCTACCTGCATCTTCCGGATGTTCTCTCTTTCCAGACTCTTCACCA-3'
Protein context (NP_001316681.1, residues 26-46): RKMQVAGLGP[Asn36Thr]QDPLLSGWVP